The following is an entry in ClinVar:

NM_001166114.2(PNPLA6):c.3951C>T (p.Asp1317=)

Gene: PNPLA6 (patatin like domain 6, lysophospholipase; plus strand). Cytogenetic location: 19p13.2.
Variant type: single nucleotide variant.
Coding change: c.3951C>T on transcript NM_001166114.2 (MANE Select); coding-DNA position 3951, C replaced by T.
Protein change: p.Asp1317=; no amino-acid change (aspartic acid 1317 retained).
Molecular consequence: synonymous variant.
Genome position (GRCh38, 1-based): chr19:7,561,245, C>T. VCF-style: chr19-7561245-C-T. GRCh37 (hg19) VCF-style: chr19-7626131-C-T.
Other names: p.Asp1279=; c.3981C>T, p.Asp1327= (NM_001166111.2); c.3756C>T, p.Asp1252= (NM_001166112.2); c.3837C>T, p.Asp1279= (NM_001166113.1, NM_006702.5).
Identifiers: ClinVar variation 698333 (VCV000698333.11), dbSNP rs369490282, ClinGen allele CA9140648.

ClinVar aggregate classification (germline): Likely benign. Review status: criteria provided, multiple submitters, no conflicts (2 of 4 stars). 3 submissions from 3 submitters: Likely benign (3). Last evaluated 2025-08-26.

Conditions:
Hereditary spastic paraplegia 39 (SPG39). Also called: Spastic Paraplegia Type 39 (SPG39); SPASTIC PARAPLEGIA 39, AUTOSOMAL RECESSIVE. Identifiers: Orphanet 139480, MedGen C2677586, MONDO:0012787, OMIM 612020.

Allele frequency attached by ClinVar (database versions not stated): TOPMed 0.00006; gnomAD 0.00013; ESP Exome Variant Server 0.00015.
gnomAD v4.1: 138 of 1,610,512 alleles (0.0086%); highest among the groups gnomAD compares: Middle Eastern, 0.066%; no homozygotes.

Submissions (3):

Labcorp Genetics (formerly Invitae), Labcorp
Classification: Likely benign for Hereditary spastic paraplegia 39. Last evaluated: 2025-08-26. Review status: criteria provided, single submitter. Criteria: Invitae Variant Classification Sherloc (09022015). Collection method: clinical testing. Allele origin: germline.

Mayo Clinic Laboratories, Mayo Clinic
Classification: Likely benign. Last evaluated: 2025-02-17. Review status: criteria provided, single submitter. Criteria: ACMG Guidelines, 2015. Collection method: clinical testing. Allele origin: germline. Observed: 1 variant allele.
Comment: BP4, BP7

Blueprint Genetics
Classification: Likely benign. Last evaluated: 2024-04-16. Review status: criteria provided, single submitter. Criteria: ACMG Guidelines, 2015. Collection method: clinical testing. Allele origin: germline.